The following is an entry in ClinVar:

NM_030962.4(SBF2):c.427G>A (p.Val143Met)

Gene: SBF2 (SET binding factor 2; minus strand). Cytogenetic location: 11p15.4.
Variant type: single nucleotide variant.
Coding change: c.427G>A on transcript NM_030962.4 (MANE Select); coding-DNA position 427, G replaced by A.
Protein change: p.Val143Met; replaces valine 143 with methionine.
Molecular consequence: missense variant.
Genome position (GRCh38, 1-based): chr11:10,029,851, C>T on the plus strand (G>A on the coding strand, the complement: SBF2 is on the minus strand). VCF-style: chr11-10029851-C-T. GRCh37 (hg19) VCF-style: chr11-10051398-C-T.
Other names: c.427G>A, p.Val143Met (NM_001386339.1, NM_001386342.1); short protein forms V143M.
Identifiers: ClinVar variation 448242 (VCV000448242.4), dbSNP rs142469360, ClinGen allele CA5882118.
Genomic context (GRCh38, chr11:10,029,851, plus strand): 5'-GGCAGGCACAAAGGTTTGCAATTAGACTTTCCAAGGAGACATTCAGGCTGTCCACATACA[C>T]GGTATAGATCAAACCCAGGCAAGCCTGCAAAAAGATAAATACATGTAATTATTTCATGGA-3'
Protein context (NP_112224.1, residues 133-153): FRACLGLIYT[Val143Met]YVDSLNVSLE

ClinVar aggregate classification (germline): Uncertain significance. Review status: criteria provided, multiple submitters, no conflicts (2 of 4 stars). 2 submissions from 2 submitters: Uncertain significance (2). Last evaluated 2022-06-05.

Conditions:
Charcot-Marie-Tooth disease type 4. Also called: Charcot-Marie-Tooth disease, type IV; Charcot-Marie-Tooth, Type 4. Identifiers: Orphanet 64749, MedGen C4082197, MONDO:0018995.

Allele frequency attached by ClinVar (database versions not stated): gnomAD 0.00001 and 0.00004; TOPMed 0.00002; gnomAD exomes 0.00004 and 0.00008; ESP Exome Variant Server 0.00008; ExAC 0.00010; 1000 Genomes Project 30x 0.00031; 1000 Genomes Project 0.00040.
gnomAD v4.1: 61 of 1,613,288 alleles (0.0038%); highest among the groups gnomAD compares: South Asian, 0.047%; no homozygotes.

Submissions (2):

Labcorp Genetics (formerly Invitae), Labcorp
Classification: Uncertain significance for Charcot-Marie-Tooth disease type 4. Last evaluated: 2022-06-05. Review status: criteria provided, single submitter. Criteria: Invitae Variant Classification Sherloc (09022015). Collection method: clinical testing. Allele origin: germline.
Comment: This sequence change replaces valine, which is neutral and non-polar, with methionine, which is neutral and non-polar, at codon 143 of the SBF2 protein (p.Val143Met). This variant is present in population databases (rs142469360, gnomAD 0.05%). This variant has not been reported in the literature in individuals affected with SBF2-related conditions. ClinVar contains an entry for this variant (Variation ID: 448242). Algorithms developed to predict the effect of missense changes on protein structure and function are either unavailable or do not agree on the potential impact of this missense change (SIFT: "Deleterious"; PolyPhen-2: "Probably Damaging"; Align-GVGD: "Class C0"). In summary, the available evidence is currently insufficient to determine the role of this variant in disease. Therefore, it has been classified as a Variant of Uncertain Significance.

Athena Diagnostics
Classification: Uncertain significance. Last evaluated: 2017-02-27. Review status: criteria provided, single submitter. Criteria: Athena Diagnostics Criteria. Collection method: clinical testing. Allele origin: germline.